The following is an entry in ClinVar:

ClinVar aggregate classification (germline): Likely pathogenic (1 of 4 stars; one submission).

Conditions:
Muscular dystrophy-dystroglycanopathy (congenital with brain and eye anomalies), type a, 11 (MDDGA11). Also called: WALKER-WARBURG SYNDROME OR MUSCLE-EYE-BRAIN DISEASE, B3GALNT2-RELATED; Congenital muscular dystrophy-dystroglycanopathy with brain and eye anomalies, type A11; Muscular dystrophy-dystroglycanopathy (congenital with brain and eye anomalies, type A, 11. Identifiers: Orphanet 588, Orphanet 899, MedGen C3554638, MONDO:0014071, OMIM 615181.

gnomAD v4.1: 1 of 1,607,250 alleles (0.000062%); highest among the groups gnomAD compares: African/African-American, 0.0013%; no homozygotes.

Submission:

Labcorp Genetics (formerly Invitae), Labcorp
Classification: Likely pathogenic for Muscular dystrophy-dystroglycanopathy (congenital with brain and eye anomalies), type a, 11. Last evaluated: 2025-11-11. Review status: criteria provided, single submitter. Criteria: Invitae Variant Classification Sherloc (09022015). Collection method: clinical testing. Allele origin: germline.
Comment: This sequence change affects an acceptor splice site in intron 9 of the B3GALNT2 gene. It is expected to disrupt RNA splicing. Variants that disrupt the donor or acceptor splice site typically lead to a loss of protein function (PMID: 16199547), and loss-of-function variants in B3GALNT2 are known to be pathogenic (PMID: 23453667). This variant is not present in population databases (gnomAD no frequency). This variant has not been reported in the literature in individuals affected with B3GALNT2-related conditions. Algorithms developed to predict the effect of sequence changes on RNA splicing suggest that this variant may disrupt the consensus splice site. In summary, the currently available evidence indicates that the variant is pathogenic, but additional data are needed to prove that conclusively. Therefore, this variant has been classified as Likely Pathogenic.

Literature cited by the submitters: PubMed 16199547; PubMed 23453667.

NM_152490.5(B3GALNT2):c.1152-1G>C

Gene: B3GALNT2 (beta-1,3-N-acetylgalactosaminyltransferase 2; minus strand). Cytogenetic location: 1q42.3.
Variant type: single nucleotide variant.
Coding change: c.1152-1G>C on transcript NM_152490.5 (MANE Select); the canonical splice acceptor site of the intron before coding-DNA position 1152, G replaced by C.
Molecular consequence: splice acceptor variant.
Genome position (GRCh38, 1-based): chr1:235,454,316, C>G on the plus strand (G>C on the coding strand, the complement: B3GALNT2 is on the minus strand). VCF-style: chr1-235454316-C-G. GRCh37 (hg19) VCF-style: chr1-235617628-C-G.
Identifiers: ClinVar variation 4696930 (VCV004696930.1).
Genomic context (GRCh38, chr1:235,454,316, plus strand): 5'-CTCGGGTACTCCAACTCCTGCCACTTTCCGGTTCGGTCAACTGCCCAATTCAGTCTGAAA[C>G]TGAGATGAAAAATAATGTGGCCTCTTGTGTTAGTCTGACACATATCCTGCCACTATTAAA-3'